The following is an entry in ClinVar:

ClinVar aggregate classification (germline): Uncertain significance (1 of 4 stars; one submission).

Submission:

GeneDx
Classification: Uncertain significance. Last evaluated: 2025-07-25. Review status: criteria provided, single submitter. Criteria: GeneDx Variant Classification Process June 2021. Collection method: clinical testing. Allele origin: germline. Affected: yes.
Comment: Frameshift variant predicted to result in protein truncation or nonsense mediated decay in a gene or region of a gene for which loss of function is not a well-established mechanism of disease; Has not been previously published as pathogenic or benign to our knowledge

NM_001366385.1(CARD14):c.1570del (p.Asp524fs)

Gene: CARD14 (caspase recruitment domain family member 14; plus strand). Cytogenetic location: 17q25.3.
Variant type: Deletion.
Coding change: c.1570del on transcript NM_001366385.1 (MANE Select); coding-DNA position 1570, one base deleted (G; older notation c.1570delG).
Protein change: p.Asp524fs; shifts the reading frame from aspartic acid 524.
Molecular consequence: frameshift variant. On other transcripts: non-coding transcript variant (1).
Genome position (GRCh38, 1-based): chr17:80,195,628, G deleted; the last of 2 consecutive G bases (chr17:80,195,627-80,195,628); deleting either gives the same sequence. VCF-style (leftmost placement, unchanged base first): chr17-80195626-TG-T. GRCh37 (hg19) VCF-style: chr17-78169425-TG-T.
Other names: c.1570del, p.Asp524fs (NM_001257970.1, NM_024110.4); c.859del, p.Asp287fs (NM_052819.3); short protein forms D287fs, D524fs.
Identifiers: ClinVar variation 4686881 (VCV004686881.1).